The following is an entry in ClinVar:

NM_001099922.3(ALG13):c.64G>A (p.Ala22Thr)

Gene: ALG13 (ALG13 UDP-N-acetylglucosaminyltransferase subunit; plus strand). Cytogenetic location: Xq23.
Variant type: single nucleotide variant.
Coding change: c.64G>A on transcript NM_001099922.3 (MANE Select); coding-DNA position 64, G replaced by A.
Protein change: p.Ala22Thr; replaces alanine 22 with threonine.
Molecular consequence: missense variant. On other transcripts: 5 prime UTR variant (9), non-coding transcript variant (3).
Genome position (GRCh38, 1-based): chrX:111,681,282, G>A. VCF-style: chrX-111681282-G-A. GRCh37 (hg19) VCF-style: chrX-110924510-G-A.
Other names: c.64G>A, p.Ala22Thr (NM_001039210.5, NM_001168385.3, NM_001324290.2 and 2 more transcripts); c.-145G>A (NM_001257230.2, NM_001324291.2); c.-237G>A (NM_001257231.2, NM_001257241.3); c.-270G>A (NM_001257234.2, NM_001257235.3); c.-374G>A (NM_001257237.2, NM_001257240.3, NM_001324293.1); c.64G>A (NM_001099922.2); short protein forms A22T.
Identifiers: ClinVar variation 1419388 (VCV001419388.7), dbSNP rs1933048489, ClinGen allele CA414248072.
Genomic context (GRCh38, chrX:111,681,282, plus strand): 5'-AAGTGCGTGTTTGTTACCGTAGGGACCACCAGCTTTGACGACCTCATTGCGTGTGTGTCG[G>A]CGCCCGACAGTCTGCAAGTGAGTGAGGGAGGCGAGCAGGCGGCGGCTTGGCTCGCCACCC-3'
Protein context (NP_001093392.1, residues 12-32): SFDDLIACVS[Ala22Thr]PDSLQKIESL

ClinVar aggregate classification (germline): Uncertain significance. Review status: criteria provided, multiple submitters, no conflicts (2 of 4 stars). 2 submissions from 2 submitters: Uncertain significance (2). Last evaluated 2026-08-13.

Conditions:
Developmental and epileptic encephalopathy, 36 (DEE36). Also called: ALG13-CDG; Congenital disorder of glycosylation, type Is; Epileptic encephalopathy, early infantile, 36. Identifiers: Orphanet 324422, MedGen C4317295, MONDO:0010472, OMIM 300884.

Submissions (2):

GeneDx
Classification: Uncertain significance. Last evaluated: 2026-08-13. Review status: criteria provided, single submitter. Criteria: GeneDx Variant Classification Process June 2021. Collection method: clinical testing. Allele origin: germline.
Comment: Not observed at significant frequency in large population cohorts (gnomAD); In silico analysis suggests that this missense variant does not alter protein structure/function; Has not been previously published as pathogenic or benign to our knowledge

Labcorp Genetics (formerly Invitae), Labcorp
Classification: Uncertain significance for Developmental and epileptic encephalopathy, 36. Last evaluated: 2025-03-06. Review status: criteria provided, single submitter. Criteria: Invitae Variant Classification Sherloc (09022015). Collection method: clinical testing. Allele origin: germline.
Comment: This sequence change replaces alanine, which is neutral and non-polar, with threonine, which is neutral and polar, at codon 22 of the ALG13 protein (p.Ala22Thr). This variant is not present in population databases (gnomAD no frequency). This variant has not been reported in the literature in individuals affected with ALG13-related conditions. ClinVar contains an entry for this variant (Variation ID: 1419388). Invitae Evidence Modeling of protein sequence and biophysical properties (such as structural, functional, and spatial information, amino acid conservation, physicochemical variation, residue mobility, and thermodynamic stability) indicates that this missense variant is not expected to disrupt ALG13 protein function with a negative predictive value of 95%. In summary, the available evidence is currently insufficient to determine the role of this variant in disease. Therefore, it has been classified as a Variant of Uncertain Significance.